The following is an entry in ClinVar:

NM_005909.5(MAP1B):c.2606A>G (p.Glu869Gly)

Gene: MAP1B (microtubule associated protein 1B; plus strand). Cytogenetic location: 5q13.2.
Variant type: single nucleotide variant.
Coding change: c.2606A>G on transcript NM_005909.5 (MANE Select); coding-DNA position 2606, A replaced by G.
Protein change: p.Glu869Gly; replaces glutamic acid 869 with glycine.
Molecular consequence: missense variant.
Genome position (GRCh38, 1-based): chr5:72,195,961, A>G. VCF-style: chr5-72195961-A-G. GRCh37 (hg19) VCF-style: chr5-71491788-A-G.
Other names: c.2228A>G, p.Glu743Gly (NM_001324255.2); short protein forms E869G, E743G.
Identifiers: ClinVar variation 789741 (VCV000789741.7), dbSNP rs16876070, ClinGen allele CA3298857.
Genomic context (GRCh38, chr5:72,195,961, plus strand): 5'-ATGTAACAAAGGACATCAAGCCTCAGCTGGAGCTAATCGAAGACGAAGAGAAACTGAAGG[A>G]AACTGAGCCAGTCGAAGCCTACGTCATCCAGAAGGAGAGAGAAGTCACCAAAGGTCCTGC-3'
Protein context (NP_005900.2, residues 859-879): ELIEDEEKLK[Glu869Gly]TEPVEAYVIQ

ClinVar aggregate classification (germline): Benign. Review status: criteria provided, multiple submitters, no conflicts (2 of 4 stars). 3 submissions from 3 submitters: Benign (2). 1 of the submissions does not count toward it. Last evaluated 2019-12-31.

Conditions:
MAP1B-related disorder. Also called: MAP1B-related condition.

Allele frequency attached by ClinVar (database versions not stated): gnomAD exomes 0.00048 and 0.00130; ExAC 0.00159; 1000 Genomes Project 0.00379; 1000 Genomes Project 30x 0.00390; gnomAD 0.00518 and 0.00560; TOPMed 0.00603; ESP Exome Variant Server 0.00638.
gnomAD v4.1: 1,512 of 1,614,242 alleles (0.094%); highest among the groups gnomAD compares: African/African-American, 1.8%; 21 homozygotes.

Submissions (3):

Labcorp Genetics (formerly Invitae), Labcorp
Classification: Benign. Last evaluated: 2019-12-31. Review status: criteria provided, single submitter. Criteria: Invitae Variant Classification Sherloc (09022015). Collection method: clinical testing. Allele origin: germline.

Breakthrough Genomics
Classification: Benign. Review status: criteria provided, single submitter. Criteria: ACMG Guidelines, 2015. Collection method: not provided. Allele origin: germline. Inheritance: Autosomal dominant inheritance. Affected: yes.

PreventionGenetics, part of Exact Sciences
Classification: Benign for MAP1B-related condition. Last evaluated: 2019-07-12. Review status: no assertion criteria provided. Collection method: clinical testing. Allele origin: germline. Not counted in ClinVar's aggregate classification.
Comment: This variant is classified as benign based on ACMG/AMP sequence variant interpretation guidelines (Richards et al. 2015 PMID: 25741868, with internal and published modifications).